The following is an entry in ClinVar:

NM_022124.6(CDH23):c.856del (p.Leu286fs)

Gene: CDH23 (cadherin related 23; plus strand). Cytogenetic location: 10q22.1.
Variant type: Deletion.
Coding change: c.856del on transcript NM_022124.6 (MANE Select); coding-DNA position 856, one base deleted (C; older notation c.856delC).
Protein change: p.Leu286fs; shifts the reading frame from leucine 286.
Molecular consequence: frameshift variant.
Genome position (GRCh38, 1-based): chr10:71,615,527, C deleted; the last of 3 consecutive C bases (chr10:71,615,525-71,615,527); deleting any one gives the same sequence. VCF-style (leftmost placement, unchanged base first): chr10-71615524-GC-G. GRCh37 (hg19) VCF-style: chr10-73375281-GC-G.
Other names: c.856del, p.Leu286fs (NM_001171930.2, NM_001171931.2, NM_001171932.2 and 1 more transcripts); short protein forms L286fs.
Identifiers: ClinVar variation 1453264 (VCV001453264.7), dbSNP rs2132514996, ClinGen allele CA2573145350.

ClinVar aggregate classification (germline): Pathogenic/Likely pathogenic. Review status: criteria provided, multiple submitters, no conflicts (2 of 4 stars). 2 submissions from 2 submitters: Pathogenic (1); Likely pathogenic (1). Last evaluated 2024-02-06.

Conditions:
Pituitary adenoma 5, multiple types. Identifiers: MedGen C4539685, MONDO:0054601, OMIM 617540.

Submissions (2):

Baylor Genetics
Classification: Likely pathogenic for Pituitary adenoma 5, multiple types. Last evaluated: 2024-02-06. Review status: criteria provided, single submitter. Criteria: ACMG Guidelines, 2015. Collection method: clinical testing. Allele origin: unknown.

Labcorp Genetics (formerly Invitae), Labcorp
Classification: Pathogenic. Last evaluated: 2021-05-19. Review status: criteria provided, single submitter. Criteria: Invitae Variant Classification Sherloc (09022015). Collection method: clinical testing. Allele origin: germline.
Comment: For these reasons, this variant has been classified as Pathogenic. This variant has not been reported in the literature in individuals with CDH23-related conditions. This variant is not present in population databases (ExAC no frequency). This sequence change creates a premature translational stop signal (p.Leu286Trpfs*8) in the CDH23 gene. It is expected to result in an absent or disrupted protein product. Loss-of-function variants in CDH23 are known to be pathogenic (PMID: 11138009, 21940737).

Literature cited by the submitters: PubMed 11138009 (cited by Labcorp Genetics (formerly Invitae), Labcorp); PubMed 21940737 (cited by Labcorp Genetics (formerly Invitae), Labcorp).